The following is an entry in ClinVar:

NM_032242.4(PLXNA1):c.2868C>T (p.Phe956=)

Gene: PLXNA1 (plexin A1; plus strand). Cytogenetic location: 3q21.3.
Variant type: single nucleotide variant.
Coding change: c.2868C>T on transcript NM_032242.4 (MANE Select); coding-DNA position 2868, C replaced by T.
Protein change: p.Phe956=; no amino-acid change (phenylalanine 956 retained).
Molecular consequence: synonymous variant.
Genome position (GRCh38, 1-based): chr3:127,014,822, C>T. VCF-style: chr3-127014822-C-T. GRCh37 (hg19) VCF-style: chr3-126733665-C-T.
Identifiers: ClinVar variation 3354927 (VCV003354927.1).

ClinVar aggregate classification (germline): Likely benign (0 of 4 stars; one submission).

Conditions:
PLXNA1-related disorder. Also called: PLXNA1-related condition.

gnomAD v4.1: 1 of 1,612,172 alleles (0.000062%); highest among the groups gnomAD compares: African/African-American, 0.0013%; no homozygotes.

Submission:

PreventionGenetics, part of Exact Sciences
Classification: Likely benign for PLXNA1-related condition. Last evaluated: 2022-06-02. Review status: no assertion criteria provided. Collection method: clinical testing. Allele origin: germline.
Comment: This variant is classified as likely benign based on ACMG/AMP sequence variant interpretation guidelines (Richards et al. 2015 PMID: 25741868, with internal and published modifications).